The following is an entry in ClinVar:

NM_001754.5(RUNX1):c.*1455A>G

Gene: RUNX1 (RUNX family transcription factor 1; minus strand). Cytogenetic location: 21q22.12.
Variant type: single nucleotide variant.
Coding change: c.*1455A>G on transcript NM_001754.5 (MANE Select); 1455 bases downstream of the stop codon, A replaced by G.
Molecular consequence: 3 prime UTR variant.
Genome position (GRCh38, 1-based): chr21:34,790,680, T>C on the plus strand (A>G on the coding strand, the complement: RUNX1 is on the minus strand). VCF-style: chr21-34790680-T-C. GRCh37 (hg19) VCF-style: chr21-36162977-T-C.
Other names: c.*1455A>G (NM_001001890.3).
Identifiers: ClinVar variation 339845 (VCV000339845.6), dbSNP rs886057042, ClinGen allele CA10653564.

ClinVar aggregate classification (germline): Uncertain significance. Review status: reviewed by expert panel (3 of 4 stars). 2 submissions from 2 submitters: Uncertain significance (1). 1 of the submissions does not count toward it. Last evaluated 2024-10-29.

Conditions:
Hereditary thrombocytopenia and hematologic cancer predisposition syndrome. Identifiers: Orphanet 71290, MedGen CN281654, MONDO:0011071.
Hereditary thrombocytopenia and hematological cancer predisposition syndrome associated with RUNX1. Also called: PLATELET DISORDER, ASPIRIN-LIKE; RUNX1 Familial Platelet Disorder with Associated Myeloid Malignancies; Familial Platelet Disorder with Propensity to Acute Myelogenous Leukemia; Familial thrombocytopenia with propensity to acute myelogenous leukemia. Identifiers: Orphanet 71290, MedGen C1832388, MeSH C563324, MONDO:0100083, OMIM 601399.

Allele frequency attached by ClinVar (database versions not stated): gnomAD exomes 0.00001.
gnomAD v4.1: 1 of 233,290 alleles (0.00043%); highest among the groups gnomAD compares: Non-Finnish European, 0.00085%; no homozygotes.

Submissions (2):

ClinGen Myeloid Malignancy Variant Curation Expert Panel
Classification: Uncertain significance for Hereditary thrombocytopenia and hematologic cancer predisposition syndrome. Last evaluated: 2024-10-29. Review status: reviewed by expert panel. Criteria: ClinGen MyeloMalig ACMG Specifications v2. Collection method: curation. Allele origin: germline. Inheritance: Autosomal dominant inheritance.
Comment: NM_001754.5(RUNX1):c.*1455A>G is 3' UTR variant which is completely absent from all population databases with at least 20x coverage for RUNX1 (PM2_supporting). No clinical or functional data for this variant has been reported to our knowledge. In summary, the clinical significance of this variant is uncertain. ACMG/AMP criteria applied, as specified by the Myeloid Malignancy Variant Curation Expert Panel for RUNX1: PM2_supporting.

Illumina Laboratory Services, Illumina
Classification: Uncertain significance for Hereditary thrombocytopenia and hematological cancer predisposition syndrome associated with RUNX1. Last evaluated: 2018-01-12. Review status: criteria provided, single submitter. Criteria: ICSL Variant Classification Criteria 13 December 2019. Collection method: clinical testing. Allele origin: germline. Not counted in ClinVar's aggregate classification.